The following is an entry in ClinVar:

NM_001290060.2(SEMA3B):c.2051G>A (p.Gly684Asp)

Gene: SEMA3B (semaphorin 3B; plus strand). Cytogenetic location: 3p21.31.
Variant type: single nucleotide variant.
Coding change: c.2051G>A on transcript NM_001290060.2 (MANE Select); coding-DNA position 2051, G replaced by A.
Protein change: p.Gly684Asp; replaces glycine 684 with aspartic acid.
Molecular consequence: missense variant. On other transcripts: non-coding transcript variant (1).
Genome position (GRCh38, 1-based): chr3:50,276,507, G>A. VCF-style: chr3-50276507-G-A. GRCh37 (hg19) VCF-style: chr3-50313938-G-A.
Other names: c.2048G>A, p.Gly683Asp (NM_001005914.3, NM_001435957.1, NM_001435958.1); c.2066G>A, p.Gly689Asp (NM_001290061.1); c.1022G>A, p.Gly341Asp (NM_001290062.2, NM_001290063.2); c.2051G>A, p.Gly684Asp (NM_001435956.1, NM_004636.4); short protein forms G684D, G689D, G683D, G341D.
Identifiers: ClinVar variation 4996845 (VCV004996845.1).
Genomic context (GRCh38, chr3:50,276,507, plus strand): 5'-GTGCTACGCAGGCCGAACGACTGGCGCGGGCCGAGGAGGCTGCGCCCGCCGCGCCGCCGG[G>A]CCCCAAACTCTGGTACCGGGACTTTCTGCAGCTGGTGGAGCCGGGCGGAGGTGGCAGCGC-3'
Protein context (NP_001276989.1, residues 674-694): AEEAAPAAPP[Gly684Asp]PKLWYRDFLQ

ClinVar aggregate classification (germline): Uncertain significance (1 of 4 stars; one submission).

Conditions:
SEMA3B-related disorder. Also called: SEMA3B-related condition.

gnomAD v4.1: 6 of 1,532,690 alleles (0.00039%); highest among the groups gnomAD compares: East Asian, 0.0025%; 1 homozygote.

Submission:

PreventionGenetics, part of Exact Sciences
Classification: Uncertain significance for SEMA3B-related condition. Last evaluated: 2025-06-02. Review status: criteria provided, single submitter. Criteria: ACMG Guidelines, 2015. Collection method: clinical testing. Allele origin: germline.
Comment: The SEMA3B c.2066G>A variant is predicted to result in the amino acid substitution p.Gly689Asp. To our knowledge, this variant has not been reported in the literature or in a large population database (gnomAD), indicating this variant is rare. At this time, the clinical significance of this variant is uncertain due to the absence of conclusive functional and genetic evidence.